The following is an entry in ClinVar:

NM_001040436.3(YARS2):c.634G>T (p.Glu212Ter)

Gene: YARS2 (tyrosyl-tRNA synthetase 2; minus strand). Cytogenetic location: 12p11.21.
Variant type: single nucleotide variant.
Coding change: c.634G>T on transcript NM_001040436.3 (MANE Select); coding-DNA position 634, G replaced by T.
Protein change: p.Glu212Ter; replaces glutamic acid 212 with a stop codon.
Molecular consequence: nonsense.
Genome position (GRCh38, 1-based): chr12:32,755,241, C>A on the plus strand (G>T on the coding strand, the complement: YARS2 is on the minus strand). VCF-style: chr12-32755241-C-A. GRCh37 (hg19) VCF-style: chr12-32908175-C-A.
Other names: p.Glu212*; short protein forms E212*.
Identifiers: ClinVar variation 594785 (VCV000594785.16), dbSNP rs762813092, ClinGen allele CA6508140.
Genomic context (GRCh38, chr12:32,755,241, plus strand): 5'-GGTAATAGAAGTCATAGGCCTGGAGCACCTGGTAAAAGAACTCGGCCAAGCTCATGCCCT[C>A]GGGGCTCTTGAGCCGCAGCTGCACGCTCTGCCGGCTCAGCAGCGTCCCCATGCGGAAGTG-3'

ClinVar aggregate classification (germline): Pathogenic/Likely pathogenic. Review status: criteria provided, multiple submitters, no conflicts (2 of 4 stars). 6 submissions from 6 submitters: Pathogenic (2); Likely pathogenic (4). Last evaluated 2026-02-10.

Conditions:
Myopathy, lactic acidosis, and sideroblastic anemia 2 (MLASA2). Identifiers: Orphanet 2598, MedGen C3150802, MONDO:0013307, OMIM 613561.
Inborn genetic diseases. Identifiers: MedGen C0950123, MeSH D030342.

Allele frequency attached by ClinVar (database versions not stated): gnomAD 0.00001; TOPMed 0.00004; ExAC 0.00012; gnomAD exomes 0.00013.
gnomAD v4.1: 38 of 1,614,038 alleles (0.0024%); highest among the groups gnomAD compares: Admixed American, 0.06%; no homozygotes.

Submissions (6):

GeneDx
Classification: Likely pathogenic. Last evaluated: 2026-02-10. Review status: criteria provided, single submitter. Criteria: GeneDx Variant Classification Process June 2021. Collection method: clinical testing. Allele origin: germline.
Comment: Nonsense variant predicted to result in protein truncation or nonsense mediated decay in a gene for which loss of function is a known mechanism of disease; Has not been previously published as pathogenic or benign to our knowledge

Ambry Genetics
Classification: Pathogenic for Inborn genetic diseases. Last evaluated: 2026-01-14. Review status: criteria provided, single submitter. Criteria: Ambry Variant Classification Scheme 2023. Collection method: clinical testing. Allele origin: germline.
Comment: The c.634G>T (p.E212*) alteration, located in exon 1 (coding exon 1) of the YARS2 gene, consists of a G to T substitution at nucleotide position 634. This changes the amino acid from a glutamic acid (E) to a stop codon at amino acid position 212. This alteration is expected to result in loss of function by premature protein truncation or nonsense-mediated mRNA decay. Based on data from gnomAD, the T allele has an overall frequency of 0.013% (33/251414) total alleles studied. The highest observed frequency was 0.095% (33/34590) of Latino alleles. Based on the available evidence, this alteration is classified as pathogenic.

Labcorp Genetics (formerly Invitae), Labcorp
Classification: Pathogenic. Last evaluated: 2025-11-11. Review status: criteria provided, single submitter. Criteria: Invitae Variant Classification Sherloc (09022015). Collection method: clinical testing. Allele origin: germline.
Comment: This sequence change creates a premature translational stop signal (p.Glu212*) in the YARS2 gene. It is expected to result in an absent or disrupted protein product. Loss-of-function variants in YARS2 are known to be pathogenic (PMID: 20598274, 24344687, 25638461). This variant is present in population databases (rs762813092, gnomAD 0.09%). This variant has not been reported in the literature in individuals affected with YARS2-related conditions. ClinVar contains an entry for this variant (Variation ID: 594785). For these reasons, this variant has been classified as Pathogenic.

Mayo Clinic Laboratories, Mayo Clinic
Classification: Likely pathogenic. Last evaluated: 2024-05-10. Review status: criteria provided, single submitter. Criteria: ACMG Guidelines, 2015. Collection method: clinical testing. Allele origin: germline. Observed: 1 variant allele.
Comment: PM2, PVS1

Fulgent Genetics
Classification: Likely pathogenic for Myopathy, lactic acidosis, and sideroblastic anemia 2. Last evaluated: 2022-03-08. Review status: criteria provided, single submitter. Criteria: ACMG Guidelines, 2015. Collection method: clinical testing. Allele origin: unknown.

Eurofins Ntd Llc (ga)
Classification: Likely pathogenic. Last evaluated: 2017-11-01. Review status: criteria provided, single submitter. Criteria: EGL Classification Definitions 2015. Collection method: clinical testing. Allele origin: germline. Observed: 1 variant allele, 1 heterozygote.

Literature cited by the submitters: PubMed 20598274 (cited by Labcorp Genetics (formerly Invitae), Labcorp); PubMed 24344687 (cited by Labcorp Genetics (formerly Invitae), Labcorp); PubMed 25638461 (cited by Labcorp Genetics (formerly Invitae), Labcorp).